The following is an entry in ClinVar:

NM_004817.4(TJP2):c.2131T>C (p.Ser711Pro)

Gene: TJP2 (tight junction protein 2; plus strand). Cytogenetic location: 9q21.11.
Variant type: single nucleotide variant.
Coding change: c.2131T>C on transcript NM_004817.4 (MANE Select); coding-DNA position 2131, T replaced by C.
Protein change: p.Ser711Pro; replaces serine 711 with proline.
Molecular consequence: missense variant.
Genome position (GRCh38, 1-based): chr9:69,237,088, T>C. VCF-style: chr9-69237088-T-C. GRCh37 (hg19) VCF-style: chr9-71852004-T-C.
Other names: c.2062T>C, p.Ser688Pro (NM_001170414.2, NM_001369871.1); c.2143T>C, p.Ser715Pro (NM_001170415.1, NM_001369874.1, NM_001369875.1); c.2224T>C, p.Ser742Pro (NM_001170416.2); c.2056T>C, p.Ser686Pro (NM_001369870.1); c.2131T>C, p.Ser711Pro (NM_001369872.1, NM_001369873.1, NM_201629.3); short protein forms S688P, S711P, S686P, S742P, S715P.
Identifiers: ClinVar variation 178641 (VCV000178641.17), dbSNP rs35797487, ClinGen allele CA182717.
Genomic context (GRCh38, chr9:69,237,088, plus strand): 5'-CAGAGGTCTGGGGTGAAGAAGAACCTGAGGAAAAGTCGGGAAGACCTCACAGCTGTTGTG[T>C]CTGTCAGCACCAAGTTCCCAGCTTATGAGAGGGTTTTGCTGCGAGAAGGTGAGGAAGTCA-3'
Protein context (NP_004808.2, residues 701-721): KSREDLTAVV[Ser711Pro]VSTKFPAYER

ClinVar aggregate classification (germline): Benign. Review status: criteria provided, multiple submitters, no conflicts (2 of 4 stars). 6 submissions from 6 submitters: Benign (6). Last evaluated 2026-01-29.

Allele frequency attached by ClinVar (database versions not stated): gnomAD exomes 0.00598; ExAC 0.00740; gnomAD 0.02362 and 0.02532; TOPMed 0.02617; 1000 Genomes Project 0.02636; 1000 Genomes Project 30x 0.02764; ESP Exome Variant Server 0.02906.
gnomAD v4.1: 6,990 of 1,614,128 alleles (0.43%); highest among the groups gnomAD compares: African/African-American, 8%; 249 homozygotes.

Submissions (6):

Labcorp Genetics (formerly Invitae), Labcorp
Classification: Benign. Last evaluated: 2026-01-29. Review status: criteria provided, single submitter. Criteria: Invitae Variant Classification Sherloc (09022015). Collection method: clinical testing. Allele origin: germline.

Mayo Clinic Laboratories, Mayo Clinic
Classification: Benign. Last evaluated: 2022-03-03. Review status: criteria provided, single submitter. Criteria: ACMG Guidelines, 2015. Collection method: clinical testing. Allele origin: germline. Observed: 22 variant alleles.

GeneDx
Classification: Benign. Last evaluated: 2017-10-05. Review status: criteria provided, single submitter. Criteria: GeneDx Variant Classification (06012015). Collection method: clinical testing. Allele origin: germline. Affected: yes.
Comment: This variant is considered likely benign or benign based on one or more of the following criteria: it is a conservative change, it occurs at a poorly conserved position in the protein, it is predicted to be benign by multiple in silico algorithms, and/or has population frequency not consistent with disease.

Laboratory for Molecular Medicine, Mass General Brigham Personalized Medicine
Classification: Benign. Last evaluated: 2012-05-07. Review status: criteria provided, single submitter. Criteria: LMM Criteria. Collection method: clinical testing. Allele origin: germline. Observed: 4 variant alleles.
Comment: Ser688Pro in Exon 15 of TJP2: This variant is not expected to have clinical sign ificance because it has been identified in 8.5% (318/3738) of African American c hromosomes from a broad population by the NHLBI Exome Sequencing Project (dbSNP rs35797487).

Breakthrough Genomics
Classification: Benign. Review status: criteria provided, single submitter. Criteria: ACMG Guidelines, 2015. Collection method: not provided. Allele origin: germline. Inheritance: Autosomal recessive inheritance. Affected: yes.

PreventionGenetics, part of Exact Sciences
Classification: Benign. Review status: criteria provided, single submitter. Criteria: ACMG Guidelines, 2015. Collection method: clinical testing. Allele origin: germline.